The following is an entry in ClinVar:

ClinVar aggregate classification (germline): Uncertain significance (1 of 4 stars; one submission).

Submission:

GeneDx
Classification: Uncertain significance. Last evaluated: 2022-04-22. Review status: criteria provided, single submitter. Criteria: GeneDx Variant Classification Process June 2021. Collection method: clinical testing. Allele origin: germline. Affected: yes.
Comment: Not observed at significant frequency in large population cohorts (gnomAD); In silico analysis supports that this missense variant has a deleterious effect on protein structure/function; Has not been previously published as pathogenic or benign to our knowledge

NM_001170629.2(CHD8):c.2687G>A (p.Arg896Lys)

Gene: CHD8 (chromodomain helicase DNA binding protein 8; minus strand). Cytogenetic location: 14q11.2.
Variant type: single nucleotide variant.
Coding change: c.2687G>A on transcript NM_001170629.2 (MANE Select); coding-DNA position 2687, G replaced by A.
Protein change: p.Arg896Lys; replaces arginine 896 with lysine.
Molecular consequence: missense variant.
Genome position (GRCh38, 1-based): chr14:21,408,355, C>T on the plus strand (G>A on the coding strand, the complement: CHD8 is on the minus strand). VCF-style: chr14-21408355-C-T. GRCh37 (hg19) VCF-style: chr14-21876514-C-T.
Other names: c.1850G>A, p.Arg617Lys (NM_020920.4); short protein forms R617K, R896K.
Identifiers: ClinVar variation 1711935 (VCV001711935.2), dbSNP rs2501923308, ClinGen allele CA388874710.
Genomic context (GRCh38, chr14:21,408,355, plus strand): 5'-CAAGACATGCAACTCACCCGTGAATCTTTGCAGTACATTTCATACTGTTGAATCATCTGC[C>T]TGCTGGCCAGACTGCCATGGTACACAATAGTGTTCATTTCTGTCCATGTATTAAATTCTC-3'
Protein context (NP_001164100.1, residues 886-906): TIVYHGSLAS[Arg896Lys]QMIQQYEMYC